The following is an entry in ClinVar:

NM_001374385.1(ATP8B1):c.276T>C (p.Tyr92=)

Gene: ATP8B1 (ATPase phospholipid transporting 8B1; minus strand). Cytogenetic location: 18q21.31.
Variant type: single nucleotide variant.
Coding change: c.276T>C on transcript NM_001374385.1 (MANE Select); coding-DNA position 276, T replaced by C.
Protein change: p.Tyr92=; no amino-acid change (tyrosine 92 retained).
Molecular consequence: synonymous variant. On other transcripts: intron variant (1).
Genome position (GRCh38, 1-based): chr18:57,706,493, A>G on the plus strand (T>C on the coding strand, the complement: ATP8B1 is on the minus strand). VCF-style: chr18-57706493-A-G. GRCh37 (hg19) VCF-style: chr18-55373725-A-G.
Other names: c.276T>C (NM_005603.4); c.276T>C, p.Tyr92= (NM_005603.6); c.130-1825T>C (NM_001374386.1).
Identifiers: ClinVar variation 291015 (VCV000291015.10), dbSNP rs749127600, ClinGen allele CA8974907.

ClinVar aggregate classification (germline): Conflicting classifications of pathogenicity. Review status: criteria provided, conflicting classifications (1 of 4 stars). 4 submissions from 4 submitters: Uncertain significance (1); Likely benign (3). Last evaluated 2026-04-14.

Conditions:
Familial intrahepatic cholestasis. Identifiers: Orphanet 284385, MedGen CN296401, MONDO:0017290.
ATP8B1-related disorder. Also called: ATP8B1-related condition; ATP8B1-related disorders.

Allele frequency attached by ClinVar (database versions not stated): ExAC 0.00003; gnomAD exomes 0.00003 and 0.00010; gnomAD 0.00004 and 0.00005; TOPMed 0.00004.
gnomAD v4.1: 156 of 1,612,284 alleles (0.0097%); highest among the groups gnomAD compares: Middle Eastern, 0.016%; no homozygotes.

Submissions (4):

Genomenon, Inc
Classification: Likely benign for Familial intrahepatic cholestasis. Last evaluated: 2026-04-14. Review status: criteria provided, single submitter. Criteria: Genomenon Sequence Variant Interpretation Standards - Updated. Collection method: curation. Allele origin: germline. Affected: no.
Comment: ATP8B1 c.276T>C is a synonymous variant that retains Tyrosine at residue 92. This variant has been reported in the published literature (PMID:24260417). It is absent or not present at a significant frequency in gnomAD. This synonymous variant is not predicted to impact splicing. In conclusion, we classify ATP8B1 p.Tyr92= (c.276T>C) as a likely benign variant.

PreventionGenetics, part of Exact Sciences
Classification: Likely benign for ATP8B1-related condition. Last evaluated: 2025-09-23. Review status: criteria provided, single submitter. Criteria: ACMG Guidelines, 2015. Collection method: clinical testing. Allele origin: germline.
Comment: This variant is classified as likely benign based on ACMG/AMP sequence variant interpretation guidelines (Richards et al. 2015 PMID: 25741868, with internal and published modifications).

Labcorp Genetics (formerly Invitae), Labcorp
Classification: Likely benign. Last evaluated: 2024-03-13. Review status: criteria provided, single submitter. Criteria: Invitae Variant Classification Sherloc (09022015). Collection method: clinical testing. Allele origin: germline.

Eurofins Ntd Llc (ga)
Classification: Uncertain significance. Last evaluated: 2016-08-27. Review status: criteria provided, single submitter. Criteria: EGL Classification Definitions 2015. Collection method: clinical testing. Allele origin: germline. Observed: 1 variant allele, 1 heterozygote.

Literature cited by the submitters: PubMed 24260417 (cited by Genomenon, Inc).